The following is an entry in ClinVar:

ClinVar aggregate classification (germline): Benign/Likely benign. Review status: criteria provided, multiple submitters, no conflicts (2 of 4 stars). 5 submissions from 5 submitters: Benign (2); Likely benign (1). 2 of the submissions do not count toward it. Last evaluated 2025-05-06.

Conditions:
RNF213-related disorder. Also called: RNF213-related condition.

Allele frequency attached by ClinVar (database versions not stated): gnomAD 0.00238 and 0.00249; 1000 Genomes Project 0.00240; ESP Exome Variant Server 0.00254; TOPMed 0.00260; 1000 Genomes Project 30x 0.00297.
gnomAD v4.1: 655 of 1,614,238 alleles (0.041%); highest among the groups gnomAD compares: African/African-American, 0.74%; 1 homozygote.

Submissions (5):

Labcorp Genetics (formerly Invitae), Labcorp
Classification: Benign. Last evaluated: 2025-05-06. Review status: criteria provided, single submitter. Criteria: Invitae Variant Classification Sherloc (09022015). Collection method: clinical testing. Allele origin: germline.

Mayo Clinic Laboratories, Mayo Clinic
Classification: Likely benign. Last evaluated: 2024-12-30. Review status: criteria provided, single submitter. Criteria: ACMG Guidelines, 2015. Collection method: clinical testing. Allele origin: germline. Observed: 1 variant allele.
Comment: BS1, BP4_moderate

Breakthrough Genomics
Classification: Benign. Review status: criteria provided, single submitter. Criteria: ACMG Guidelines, 2015. Collection method: not provided. Allele origin: germline. Inheritance: Autosomal dominant inheritance. Affected: yes.

PreventionGenetics, part of Exact Sciences
Classification: Likely benign for RNF213-related condition. Last evaluated: 2024-03-19. Review status: no assertion criteria provided. Collection method: clinical testing. Allele origin: germline. Not counted in ClinVar's aggregate classification.
Comment: This variant is classified as likely benign based on ACMG/AMP sequence variant interpretation guidelines (Richards et al. 2015 PMID: 25741868, with internal and published modifications).

Department of Pathology and Laboratory Medicine, Sinai Health System
Classification: Likely benign. Review status: no assertion criteria provided. Collection method: clinical testing. Allele origin: unknown. Affected: yes. Study: The Canadian Open Genetics Repository (COGR). Not counted in ClinVar's aggregate classification.
Comment: The RNF213 p.I4535T variant was not identified in the literature but was identified in dbSNP (ID: rs75161557) and ClinVar (classified as benign by Invitae). The variant was identified in control databases in 218 of 282906 chromosomes (0 homozygous) at a frequency of 0.0007706, and was observed at the highest frequency in the African population in 202 of 24972 chromosomes (freq: 0.008089) (Genome Aggregation Database March 6, 2019, v2.1.1). The p.I4535 residue is not conserved in mammals and computational analyses (MUT Assesor, PolyPhen-2, SIFT, MutationTaster, Revel, FATHMM, MetaLR, DANN) do not suggest a high likelihood of impact to the protein; this information is not predictive enough to rule out pathogenicity. The variant occurs outside of the splicing consensus sequence and in silico or computational prediction software programs (Splice AI exome) do not predict a difference in splicing. In summary, based on the above information the clinical significance of this variant cannot be determined with certainty at this time although we would lean towards a more benign role for this variant. This variant is classified as likely benign.

NM_001256071.3(RNF213):c.13604T>C (p.Ile4535Thr)

Genes: RNF213 (ring finger protein 213; plus strand), RNF213-AS1 (RNF213 antisense RNA 1; minus strand). Cytogenetic location: 17q25.3.
Variant type: single nucleotide variant.
Coding change: c.13604T>C on transcript NM_001256071.3 (MANE Select); coding-DNA position 13604, T replaced by C.
Protein change: p.Ile4535Thr; replaces isoleucine 4535 with threonine.
Molecular consequence: missense variant.
Genome position (GRCh38, 1-based): chr17:80,379,678, T>C. VCF-style: chr17-80379678-T-C. GRCh37 (hg19) VCF-style: chr17-78353478-T-C.
Other names: p.Ile4535Thr; short protein forms I4535T.
Identifiers: ClinVar variation 777254 (VCV000777254.11), dbSNP rs75161557, ClinGen allele CA8822664.
Genomic context (GRCh38, chr17:80,379,678, plus strand): 5'-AGTGTGGCAGGCCGATGGAACAGAGCATCTGCATTGACTGCCATGCGCCGATTGGAGGCA[T>C]TGACCACAAACCTCGGGACGGCTTTCATCTGGTCAAGTATGTGGGTCAGGATTCTATTTC-3'
Protein context (NP_001243000.2, residues 4525-4545): CIDCHAPIGG[Ile4535Thr]DHKPRDGFHL